The following is an entry in ClinVar:

NM_001374675.1(HSF4):c.562-1G>C

Gene: HSF4 (heat shock transcription factor 4; plus strand). Cytogenetic location: 16q22.1.
Variant type: single nucleotide variant.
Coding change: c.562-1G>C on transcript NM_001374675.1 (MANE Select); the canonical splice acceptor site of the intron before coding-DNA position 562, G replaced by C.
Molecular consequence: splice acceptor variant.
Genome position (GRCh38, 1-based): chr16:67,166,557, G>C. VCF-style: chr16-67166557-G-C. GRCh37 (hg19) VCF-style: chr16-67200460-G-C.
Other names: c.562-1G>C (NM_001538.4, NM_001040667.3, NM_001374674.1).
Identifiers: ClinVar variation 2636308 (VCV002636308.1), dbSNP rs2507014794, ClinGen allele CA396268637.

ClinVar aggregate classification (germline): Uncertain significance (1 of 4 stars; one submission).

Conditions:
HSF4-related disorder. Also called: HSF4-related condition.

Submission:

PreventionGenetics, part of Exact Sciences
Classification: Uncertain significance for HSF4-related condition. Last evaluated: 2022-09-16. Review status: criteria provided, single submitter. Criteria: ACMG Guidelines, 2015. Collection method: clinical testing. Allele origin: germline.
Comment: The HSF4 c.562-1G>C variant is predicted to disrupt the AG splice acceptor site and interfere with normal splicing. However, the splicing defect is predicted to lead to an in-frame deletion based on splicing prediction programs (Alamut Visual v.2.11.0). Please note that the use of splicing prediction programs is not equivalent to functional evidence. To our knowledge, this variant has not been reported in the literature or in a large population database, indicating this variant is rare. Although we suspect that this variant may be pathogenic, at this time, its clinical significance is uncertain due to the absence of conclusive functional and genetic evidence.